The following is an entry in ClinVar:

NM_001099922.3(ALG13):c.1729+14A>G

Gene: ALG13 (ALG13 UDP-N-acetylglucosaminyltransferase subunit; plus strand). Cytogenetic location: Xq23.
Variant type: single nucleotide variant.
Coding change: c.1729+14A>G on transcript NM_001099922.3 (MANE Select); 14 bases into the intron after coding-DNA position 1729, A replaced by G.
Molecular consequence: intron variant.
Genome position (GRCh38, 1-based): chrX:111,725,075, A>G. VCF-style: chrX-111725075-A-G. GRCh37 (hg19) VCF-style: chrX-110968303-A-G.
Other names: c.1417+14A>G (NM_001257237.2, NM_001257234.2, NM_001257230.2); c.1243+14A>G (NM_001324293.1); c.1495+14A>G (NM_001257231.2); c.1729+14A>G (NM_001324292.2).
Identifiers: ClinVar variation 509918 (VCV000509918.11), dbSNP rs763484848, ClinGen allele CA10493747.

ClinVar aggregate classification (germline): Benign/Likely benign. Review status: criteria provided, multiple submitters, no conflicts (2 of 4 stars). 4 submissions from 4 submitters: Benign (2); Likely benign (2). Last evaluated 2026-01-24.

Conditions:
Developmental and epileptic encephalopathy, 36 (DEE36). Also called: ALG13-CDG; Epileptic encephalopathy, early infantile, 36; Congenital disorder of glycosylation, type Is. Identifiers: Orphanet 324422, MedGen C4317295, MONDO:0010472, OMIM 300884.

Allele frequency attached by ClinVar (database versions not stated): gnomAD exomes 0.00004 and 0.00010; ExAC 0.00007; gnomAD 0.00033 and 0.00036; TOPMed 0.00039.
gnomAD v4.1: 84 of 1,205,593 alleles (0.007%); highest among the groups gnomAD compares: African/African-American, 0.14%; no homozygotes.

Submissions (4):

Labcorp Genetics (formerly Invitae), Labcorp
Classification: Benign for Developmental and epileptic encephalopathy, 36. Last evaluated: 2026-01-24. Review status: criteria provided, single submitter. Criteria: Invitae Variant Classification Sherloc (09022015). Collection method: clinical testing. Allele origin: germline.

Genome-Nilou Lab
Classification: Benign for Developmental and epileptic encephalopathy, 36. Last evaluated: 2021-12-05. Review status: criteria provided, single submitter. Criteria: ACMG Guidelines, 2015. Collection method: clinical testing. Allele origin: germline. Affected: no.

Fulgent Genetics
Classification: Likely benign for Developmental and epileptic encephalopathy, 36. Last evaluated: 2021-11-02. Review status: criteria provided, single submitter. Criteria: ACMG Guidelines, 2015. Collection method: clinical testing. Allele origin: unknown.

GeneDx
Classification: Likely benign. Last evaluated: 2017-12-27. Review status: criteria provided, single submitter. Criteria: GeneDx Variant Classification (06012015). Collection method: clinical testing. Allele origin: germline. Affected: yes.
Comment: This variant is considered likely benign or benign based on one or more of the following criteria: it is a conservative change, it occurs at a poorly conserved position in the protein, it is predicted to be benign by multiple in silico algorithms, and/or has population frequency not consistent with disease.